The following is an entry in ClinVar:

NM_000492.4(CFTR):c.3411G>A (p.Met1137Ile)

Genes: CFTR (CF transmembrane conductance regulator; plus strand), CFTR-AS2 (CFTR antisense RNA 2; minus strand). Cytogenetic location: 7q31.2.
Variant type: single nucleotide variant.
Coding change: c.3411G>A on transcript NM_000492.4 (MANE Select); coding-DNA position 3411, G replaced by A.
Protein change: p.Met1137Ile; replaces methionine 1137 with isoleucine.
Molecular consequence: missense variant.
Genome position (GRCh38, 1-based): chr7:117,614,656, G>A. VCF-style: chr7-117614656-G-A. GRCh37 (hg19) VCF-style: chr7-117254710-G-A.
Other names: short protein forms M1137I.
Identifiers: ClinVar variation 4536154 (VCV004536154.1).

ClinVar aggregate classification (germline): Uncertain significance (1 of 4 stars; one submission).

Submission:

Women's Health and Genetics/Laboratory Corporation of America, LabCorp
Classification: Uncertain significance. Last evaluated: 2025-09-17. Review status: criteria provided, single submitter. Criteria: LabCorp Variant Classification Summary - May 2015. Collection method: clinical testing. Allele origin: germline.
Comment: Variant summary: CFTR c.3411G>A (p.Met1137Ile) results in a conservative amino acid change in the encoded protein sequence. Algorithms developed to predict the effect of missense changes on protein structure and function are either unavailable or do not agree on the potential impact of this missense change. The variant was absent in 251134 control chromosomes. The available data on variant occurrences in the general population are insufficient to allow any conclusion about variant significance. To our knowledge, no occurrence of c.3411G>A in individuals affected with CFTR-related conditions and no experimental evidence demonstrating its impact on protein function have been reported. No submitters have cited clinical-significance assessments for this variant to ClinVar. Based on the evidence outlined above, the variant was classified as uncertain significance.